The following is an entry in ClinVar:

NM_004360.5(CDH1):c.2525C>T (p.Ala842Val)

Gene: CDH1 (cadherin 1; plus strand). Cytogenetic location: 16q22.1.
Variant type: single nucleotide variant.
Coding change: c.2525C>T on transcript NM_004360.5 (MANE Select); coding-DNA position 2525, C replaced by T.
Protein change: p.Ala842Val; replaces alanine 842 with valine.
Molecular consequence: missense variant.
Genome position (GRCh38, 1-based): chr16:68,833,375, C>T. VCF-style: chr16-68833375-C-T. GRCh37 (hg19) VCF-style: chr16-68867278-C-T.
Other names: c.2342C>T, p.Ala781Val (NM_001317184.2); c.977C>T, p.Ala326Val (NM_001317185.2); c.560C>T, p.Ala187Val (NM_001317186.2); short protein forms A326V, A842V, A187V, A781V.
Identifiers: ClinVar variation 4706236 (VCV004706236.1).

ClinVar aggregate classification (germline): Uncertain significance (1 of 4 stars; one submission).

Conditions:
Hereditary diffuse gastric adenocarcinoma (HDGC). Also called: DIFFUSE GASTRIC AND LOBULAR BREAST CANCER SYNDROME. Identifiers: Orphanet 26106, MedGen C1708349, MONDO:0007648, OMIM 137215.

gnomAD v4.1: 3 of 1,614,076 alleles (0.00019%); highest among the groups gnomAD compares: Non-Finnish European, 0.00025%; no homozygotes.

Submission:

Labcorp Genetics (formerly Invitae), Labcorp
Classification: Uncertain significance for Hereditary diffuse gastric adenocarcinoma. Last evaluated: 2025-11-05. Review status: criteria provided, single submitter. Criteria: Invitae Variant Classification Sherloc (09022015). Collection method: clinical testing. Allele origin: germline.
Comment: This sequence change replaces alanine, which is neutral and non-polar, with valine, which is neutral and non-polar, at codon 842 of the CDH1 protein (p.Ala842Val). This variant is not present in population databases (gnomAD no frequency). This variant has not been reported in the literature in individuals affected with CDH1-related conditions. An algorithm developed to predict the effect of missense changes on protein structure and function (PolyPhen-2) suggests that this variant is likely to be disruptive. In summary, the available evidence is currently insufficient to determine the role of this variant in disease. Therefore, it has been classified as a Variant of Uncertain Significance.